The following is an entry in ClinVar:

NM_020810.3(TRMT5):c.1462C>T (p.Pro488Ser)

Gene: TRMT5 (tRNA methyltransferase 5; minus strand). Cytogenetic location: 14q23.1.
Variant type: single nucleotide variant.
Coding change: c.1462C>T on transcript NM_020810.3 (MANE Select); coding-DNA position 1462, C replaced by T.
Protein change: p.Pro488Ser; replaces proline 488 with serine.
Molecular consequence: missense variant.
Genome position (GRCh38, 1-based): chr14:60,975,177, G>A on the plus strand (C>T on the coding strand, the complement: TRMT5 is on the minus strand). VCF-style: chr14-60975177-G-A. GRCh37 (hg19) VCF-style: chr14-61441895-G-A.
Other names: c.1546C>T, p.Pro516Ser (NM_001350253.1); c.1543C>T, p.Pro515Ser (NM_001350254.1); short protein forms P515S, P516S, P488S.
Identifiers: ClinVar variation 2073817 (VCV002073817.4), dbSNP rs2502983951, ClinGen allele CA389918600.

ClinVar aggregate classification (germline): Uncertain significance (1 of 4 stars; one submission).

Submission:

Labcorp Genetics (formerly Invitae), Labcorp
Classification: Uncertain significance. Last evaluated: 2022-01-17. Review status: criteria provided, single submitter. Criteria: Invitae Variant Classification Sherloc (09022015). Collection method: clinical testing. Allele origin: germline.
Comment: In summary, the available evidence is currently insufficient to determine the role of this variant in disease. Therefore, it has been classified as a Variant of Uncertain Significance. This variant has not been reported in the literature in individuals affected with TRMT5-related conditions. Algorithms developed to predict the effect of missense changes on protein structure and function output the following: SIFT: "Tolerated"; PolyPhen-2: "Benign"; Align-GVGD: "Class C0". The serine amino acid residue is found in multiple mammalian species, which suggests that this missense change does not adversely affect protein function. This sequence change replaces proline, which is neutral and non-polar, with serine, which is neutral and polar, at codon 488 of the TRMT5 protein (p.Pro488Ser). This variant is not present in population databases (gnomAD no frequency).